The following is an entry in ClinVar:

NM_000179.3(MSH6):c.3802-1G>A

Gene: MSH6 (mutS homolog 6; plus strand). Cytogenetic location: 2p16.3.
Variant type: single nucleotide variant.
Coding change: c.3802-1G>A on transcript NM_000179.3 (MANE Select); the canonical splice acceptor site of the intron before coding-DNA position 3802, G replaced by A.
Molecular consequence: splice acceptor variant. On other transcripts: intron variant (2).
Genome position (GRCh38, 1-based): chr2:47,806,451, G>A. VCF-style: chr2-47806451-G-A. GRCh37 (hg19) VCF-style: chr2-48033590-G-A.
Other names: c.3802-1G>A (NM_001406809.1, NM_001406796.1, NM_001406808.1); c.2896-1G>A (NM_001406811.1, NM_001406814.1, NM_001281493.2 and 6 more transcripts); c.3505-1G>A (NM_001406805.1, NM_001406797.1, NM_001406801.1 and 10 more transcripts); c.3898-1G>A (NM_001406795.1); c.3897+93G>A (NM_001406802.1); c.3808-1G>A (NM_001406813.1); c.3277-1G>A (NM_001406807.1, NM_001406799.1, NM_001406806.1); c.3802-14G>A (NM_001406800.1); and 9 more.
Identifiers: ClinVar variation 1496944 (VCV001496944.9), dbSNP rs1572746025, ClinGen allele CA346761209.

ClinVar aggregate classification (germline): Likely pathogenic. Review status: criteria provided, multiple submitters, no conflicts (2 of 4 stars). 2 submissions from 2 submitters: Likely pathogenic (2). Last evaluated 2023-10-13.

Conditions:
Hereditary nonpolyposis colorectal neoplasms. Identifiers: MedGen C0009405, MeSH D003123.
Endometrial carcinoma. Also called: Endometrial carcinoma, somatic. Identifiers: MedGen C0476089, MONDO:0002447, OMIM 608089, HP:0012114.

Submissions (2):

Labcorp Genetics (formerly Invitae), Labcorp
Classification: Likely pathogenic for Hereditary nonpolyposis colorectal neoplasms. Last evaluated: 2023-10-13. Review status: criteria provided, single submitter. Criteria: Invitae Variant Classification Sherloc (09022015). Collection method: clinical testing. Allele origin: germline.
Comment: This sequence change affects an acceptor splice site in intron 8 of the MSH6 gene. It is expected to disrupt RNA splicing. Variants that disrupt the donor or acceptor splice site typically lead to a loss of protein function (PMID: 16199547), and loss-of-function variants in MSH6 are known to be pathogenic (PMID: 18269114, 24362816). This variant is not present in population databases (gnomAD no frequency). This variant has not been reported in the literature in individuals affected with MSH6-related conditions. ClinVar contains an entry for this variant (Variation ID: 1496944). Algorithms developed to predict the effect of sequence changes on RNA splicing suggest that this variant may disrupt the consensus splice site. In summary, the currently available evidence indicates that the variant is pathogenic, but additional data are needed to prove that conclusively. Therefore, this variant has been classified as Likely Pathogenic.

Baylor Genetics
Classification: Likely pathogenic for Endometrial carcinoma. Last evaluated: 2021-11-21. Review status: criteria provided, single submitter. Criteria: ACMG Guidelines, 2015. Collection method: clinical testing. Allele origin: unknown.

Literature cited by the submitters: PubMed 16199547 (cited by Labcorp Genetics (formerly Invitae), Labcorp); PubMed 18269114 (cited by Labcorp Genetics (formerly Invitae), Labcorp); PubMed 24362816 (cited by Labcorp Genetics (formerly Invitae), Labcorp).